The following is an entry in ClinVar:

NM_015335.5(MED13L):c.2183C>T (p.Thr728Ile)

Gene: MED13L (mediator complex subunit 13L; minus strand). Cytogenetic location: 12q24.21.
Variant type: single nucleotide variant.
Coding change: c.2183C>T on transcript NM_015335.5 (MANE Select); coding-DNA position 2183, C replaced by T.
Protein change: p.Thr728Ile; replaces threonine 728 with isoleucine.
Molecular consequence: missense variant.
Genome position (GRCh38, 1-based): chr12:116,007,466, G>A on the plus strand (C>T on the coding strand, the complement: MED13L is on the minus strand). VCF-style: chr12-116007466-G-A. GRCh37 (hg19) VCF-style: chr12-116445271-G-A.
Other names: short protein forms T728I.
Identifiers: ClinVar variation 1722895 (VCV001722895.7), dbSNP rs2499906060, ClinGen allele CA386894257.
Genomic context (GRCh38, chr12:116,007,466, plus strand): 5'-GGTACCTTATTCTTTTTCAGGGAATCTTTCTCCGTCCCTTGTTTGCATTTCTTGTTGGCT[G>A]TAAAGATGTATTTTATGTCACCATCTTCAAAGGTATATGGGTCATTCACTTCTCCCAAAC-3'
Protein context (NP_056150.1, residues 718-738): FEDGDIKYIF[Thr728Ile]ANKKCKQGTE

ClinVar aggregate classification (germline): Uncertain significance. Review status: criteria provided, multiple submitters, no conflicts (2 of 4 stars). 2 submissions from 2 submitters: Uncertain significance (2). Last evaluated 2022-09-02.

Conditions:
Dextro-looped transposition of the great arteries. Also called: Dextrotransposition of the great arteries. Identifiers: Orphanet 860, MedGen C3531771, MONDO:0019443, OMIM 608808, HP:0031348.

Allele frequency attached by ClinVar (database versions not stated): gnomAD exomes below 0.00001.
gnomAD v4.1: 1 of 1,613,820 alleles (0.000062%); highest among the groups gnomAD compares: Non-Finnish European, 0.000085%; no homozygotes.

Submissions (2):

Labcorp Genetics (formerly Invitae), Labcorp
Classification: Uncertain significance for Dextro-looped transposition of the great arteries. Last evaluated: 2022-09-02. Review status: criteria provided, single submitter. Criteria: Invitae Variant Classification Sherloc (09022015). Collection method: clinical testing. Allele origin: germline.
Comment: This sequence change replaces threonine, which is neutral and polar, with isoleucine, which is neutral and non-polar, at codon 728 of the MED13L protein (p.Thr728Ile). Advanced modeling of protein sequence and biophysical properties (such as structural, functional, and spatial information, amino acid conservation, physicochemical variation, residue mobility, and thermodynamic stability) performed at Invitae indicates that this missense variant is not expected to disrupt MED13L protein function. This variant has not been reported in the literature in individuals affected with MED13L-related conditions. This variant is not present in population databases (gnomAD no frequency). In summary, the available evidence is currently insufficient to determine the role of this variant in disease. Therefore, it has been classified as a Variant of Uncertain Significance.

GeneDx
Classification: Uncertain significance. Last evaluated: 2022-05-06. Review status: criteria provided, single submitter. Criteria: GeneDx Variant Classification Process June 2021. Collection method: clinical testing. Allele origin: germline. Affected: yes.
Comment: Not observed at significant frequency in large population cohorts (gnomAD); In silico analysis supports that this missense variant does not alter protein structure/function; Has not been previously published as pathogenic or benign to our knowledge